The following continues an entry in ClinVar:

NM_031448.6(C19orf12):c.171_181del (p.Gly58fs)

Gene: C19orf12. ClinVar aggregate classification (germline): Pathogenic/Likely pathogenic. Pathogenic (11); Likely pathogenic (2).

Submissions 10 to 15 of 15:

Women's Health and Genetics/Laboratory Corporation of America, LabCorp
Classification: Pathogenic for Neurodegeneration with brain iron accumulation. Last evaluated: 2023-03-29. Review status: criteria provided, single submitter. Criteria: LabCorp Variant Classification Summary - May 2015. Collection method: clinical testing. Allele origin: germline.
Comment: Variant summary: C19orf12 c.171_181del11/p.Gly58ArgfsX10 (legacy name c.204_214del11/p.Gly69ArgfsX10) results in a premature termination codon, predicted to cause a truncation of the encoded protein or absence of the protein due to nonsense mediated decay, which are commonly known mechanisms for disease. Truncations downstream of this position have been associated with Neurodegeneration With Brain Iron Accumulation in HGMD. The variant allele was found at a frequency of 7.6e-05 in 249194 control chromosomes. This frequency is not significantly higher than estimated for a pathogenic variant in C19orf12 causing Neurodegeneration With Brain Iron Accumulation (7.6e-05 vs 0.0006). c.171_181del11 has been reported in the literature in multiple individuals affected with Neurodegeneration With Brain Iron Accumulation (Gregory_2019, Sparber_2021, etc). These data indicate that the variant is very likely to be associated with disease. To our knowledge, no experimental evidence demonstrating an impact on protein function has been reported. Five ClinVar submitters have submitted clinical-significance assessments for this variant to ClinVar after 2014. All laboratories classified the variant as pathogenic (n=3) or likely pathogenic (n=1). Based on the evidence outlined above, the variant was classified as pathogenic.

Clinical Genetics Laboratory, Skane University Hospital Lund
Classification: Pathogenic. Last evaluated: 2022-07-13. Review status: criteria provided, single submitter. Criteria: ACMG Guidelines, 2015. Collection method: clinical testing. Allele origin: germline. Affected: yes.

3billion
Classification: Likely pathogenic for Hereditary spastic paraplegia 43. Last evaluated: 2022-01-03. Review status: criteria provided, single submitter. Criteria: ACMG Guidelines, 2015. Collection method: clinical testing. Allele origin: germline. Affected: yes. Observed: 1 heterozygote.
Comment: Frameshift: predicted to result in a loss or disruption of normal protein function through protein truncation. Multiple pathogenic variants are reported in the predicted truncated region (PVS1_S). The variant has been reported to be associated with C19orf12 related disorder (ClinVar ID: VCV000031155, PMID:21981780).It is observed at an extremely low frequency in the gnomAD v2.1.1 dataset (total allele frequency: 0.000100, PM2_M). Therefore, this variant is classified as likely pathogenic according to the recommendation of ACMG/AMP guideline.

GeneDx
Classification: Pathogenic. Last evaluated: 2021-11-30. Review status: criteria provided, single submitter. Criteria: GeneDx Variant Classification Process June 2021. Collection method: clinical testing. Allele origin: germline. Affected: yes.
Comment: Frameshift variant predicted to result in protein truncation, as the last 84 amino acids are replaced with 9 different amino acids; This variant is associated with the following publications: (PMID: 23269600, 28347614, 23494994, 24636776, 23436634, 21981780)

OMIM
Classification: Pathogenic for NEURODEGENERATION WITH BRAIN IRON ACCUMULATION 4, AUTOSOMAL RECESSIVE. Last evaluated: 2013-01-15. Review status: no assertion criteria provided. Collection method: literature only. Allele origin: germline. Not counted in ClinVar's aggregate classification.

GeneReviews
No classification provided. Condition: Neurodegeneration with brain iron accumulation 4. Review status: no classification provided. Collection method: literature only. Allele origin: germline. Not counted in ClinVar's aggregate classification.
Comment: Founder variant in Eastern European (Polish) population; Associated with juvenile onset

Literature cited by the submitters: PubMed 21981780 (cited by 5 submitters); PubMed 23436634 (cited by Labcorp Genetics (formerly Invitae), Labcorp and Variantyx, Inc.); PubMed 28641177 (cited by Labcorp Genetics (formerly Invitae), Labcorp and Variantyx, Inc.); PubMed 30392167 (cited by Labcorp Genetics (formerly Invitae), Labcorp and Variantyx, Inc.); PubMed 31087512 (cited by 3 submitters); PubMed 23269600 (cited by Variantyx, Inc. and OMIM); PubMed 33607528 (cited by Women's Health and Genetics/Laboratory Corporation of America, LabCorp).